The following is an entry in ClinVar:

NM_001201543.2(FAM161A):c.1035_1036delinsAA (p.Phe345_Leu346delinsLeuIle)

Gene: FAM161A (FAM161 centrosomal protein A; minus strand). Cytogenetic location: 2p15.
Variant type: Indel.
Coding change: c.1035_1036delinsAA on transcript NM_001201543.2 (MANE Select); coding-DNA positions 1035 to 1036, TC replaced by AA.
Protein change: p.Phe345_Leu346delinsLeuIle.
Molecular consequence: missense variant. On other transcripts: non-coding transcript variant (1).
Genome position (GRCh38, 1-based): chr2:61,839,968-61,839,969, GA replaced by TT on the plus strand (TC replaced by AA on the coding strand, the reverse complement: FAM161A is on the minus strand). VCF-style: chr2-61839968-GA-TT. GRCh37 (hg19) VCF-style: chr2-62067103-GA-TT.
Other names: c.1035_1036delinsAA, p.Phe345_Leu346delinsLeuIle (NM_032180.3).
Identifiers: ClinVar variation 850042 (VCV000850042.10), dbSNP rs1672945456, ClinGen allele CA916082535.
Genomic context (GRCh38, chr2:61,839,968, plus strand): 5'-CATAAGTAGATCGAGGAATGGGTCTGGCTTTAAATCGATTTGTTTTCTTTTTATACTTAA[GA>TT]AAGTCTCTCAGCTGCTTTTCCCGGGCTGCTCGCTTCTGTTCCTCCCTTGCTATAAATTTA-3'

ClinVar aggregate classification (germline): Uncertain significance (1 of 4 stars; one submission).

Submission:

Labcorp Genetics (formerly Invitae), Labcorp
Classification: Uncertain significance. Last evaluated: 2019-12-17. Review status: criteria provided, single submitter. Criteria: Invitae Variant Classification Sherloc (09022015). Collection method: clinical testing. Allele origin: germline.
Comment: This variant, c.1035_1036delinsAA, is a complex sequence change that results in the deletion of 2 and insertion of 2 amino acid(s) in the FAM161A protein (p.Phe345_Leu346delinsLeuIle). In summary, the available evidence is currently insufficient to determine the role of this variant in disease. Therefore, it has been classified as a Variant of Uncertain Significance. Experimental studies and prediction algorithms are not available or were not evaluated, and the functional significance of this variant is currently unknown. This variant has not been reported in the literature in individuals with FAM161A-related conditions. This variant is not present in population databases (ExAC no frequency).